The following is an entry in ClinVar:

NM_017654.4(SAMD9):c.662G>T (p.Arg221Leu)

Gene: SAMD9 (sterile alpha motif domain containing 9; minus strand). Cytogenetic location: 7q21.2.
Variant type: single nucleotide variant.
Coding change: c.662G>T on transcript NM_017654.4 (MANE Select); coding-DNA position 662, G replaced by T.
Protein change: p.Arg221Leu; replaces arginine 221 with leucine.
Molecular consequence: missense variant.
Genome position (GRCh38, 1-based): chr7:93,105,436, C>A on the plus strand (G>T on the coding strand, the complement: SAMD9 is on the minus strand). VCF-style: chr7-93105436-C-A. GRCh37 (hg19) VCF-style: chr7-92734749-C-A.
Other names: c.662G>T, p.Arg221Leu (NM_001193307.2); short protein forms R221L.
Identifiers: ClinVar variation 4629834 (VCV004629834.1).

ClinVar aggregate classification (germline): Uncertain significance (1 of 4 stars; one submission).

Conditions:
Inborn genetic diseases. Identifiers: MedGen C0950123, MeSH D030342.

Submission:

Ambry Genetics
Classification: Uncertain significance for Inborn genetic diseases. Last evaluated: 2025-09-27. Review status: criteria provided, single submitter. Criteria: Ambry Variant Classification Scheme 2023. Collection method: clinical testing. Allele origin: germline.
Comment: The p.R221L variant (also known as c.662G>T), located in coding exon 1 of the SAMD9 gene, results from a G to T substitution at nucleotide position 662. The arginine at codon 221 is replaced by leucine, an amino acid with dissimilar properties. This amino acid position is conserved. In addition, this alteration is predicted to be tolerated by in silico analysis. Based on the available evidence, the clinical significance of this variant remains unclear.